The following is an entry in ClinVar:

NM_002691.4(POLD1):c.3116A>G (p.Lys1039Arg)

Gene: POLD1 (DNA polymerase delta 1, catalytic subunit; plus strand). Cytogenetic location: 19q13.33.
Variant type: single nucleotide variant.
Coding change: c.3116A>G on transcript NM_002691.4 (MANE Select); coding-DNA position 3116, A replaced by G.
Protein change: p.Lys1039Arg; replaces lysine 1039 with arginine.
Molecular consequence: missense variant. On other transcripts: non-coding transcript variant (1).
Genome position (GRCh38, 1-based): chr19:50,417,093, A>G. VCF-style: chr19-50417093-A-G. GRCh37 (hg19) VCF-style: chr19-50920350-A-G.
Other names: c.3116A>G, p.Lys1039Arg (NM_001256849.1); c.3194A>G, p.Lys1065Arg (NM_001308632.1); short protein forms K1039R, K1065R.
Identifiers: ClinVar variation 1368283 (VCV001368283.8), dbSNP rs2122504266, ClinGen allele CA406987191.

ClinVar aggregate classification (germline): Uncertain significance (1 of 4 stars; one submission).

Conditions:
POLD1-related polyposis and colorectal cancer syndrome (CRCS10). Also called: Colorectal cancer, susceptibility to, 10; Colorectal cancer 10; COLORECTAL CANCER, SUSCEPTIBILITY TO, ON CHROMOSOME 19q. Identifiers: Orphanet 220460, MedGen C2675481, MONDO:0012953, OMIM 612591.

Submission:

Labcorp Genetics (formerly Invitae), Labcorp
Classification: Uncertain significance for POLD1-related polyposis and colorectal cancer syndrome. Last evaluated: 2021-03-22. Review status: criteria provided, single submitter. Criteria: Invitae Variant Classification Sherloc (09022015). Collection method: clinical testing. Allele origin: germline.
Comment: In summary, the available evidence is currently insufficient to determine the role of this variant in disease. Therefore, it has been classified as a Variant of Uncertain Significance. Algorithms developed to predict the effect of missense changes on protein structure and function (SIFT, PolyPhen-2, Align-GVGD) all suggest that this variant is likely to be tolerated, but these predictions have not been confirmed by published functional studies and their clinical significance is uncertain. This variant has not been reported in the literature in individuals with POLD1-related conditions. This variant is not present in population databases (ExAC no frequency). This sequence change replaces lysine with arginine at codon 1039 of the POLD1 protein (p.Lys1039Arg). The lysine residue is moderately conserved and there is a small physicochemical difference between lysine and arginine.